The following is an entry in ClinVar:

NM_001134363.3(RBM20):c.3512C>G (p.Thr1171Arg)

Gene: RBM20 (RNA binding motif protein 20; plus strand). Cytogenetic location: 10q25.2.
Variant type: single nucleotide variant.
Coding change: c.3512C>G on transcript NM_001134363.3 (MANE Select); coding-DNA position 3512, C replaced by G.
Protein change: p.Thr1171Arg; replaces threonine 1171 with arginine.
Molecular consequence: missense variant.
Genome position (GRCh38, 1-based): chr10:110,831,121, C>G. VCF-style: chr10-110831121-C-G. GRCh37 (hg19) VCF-style: chr10-112590879-C-G.
Other names: short protein forms T1171R.
Identifiers: ClinVar variation 854295 (VCV000854295.9), dbSNP rs371181124, ClinGen allele CA378386589.

ClinVar aggregate classification (germline): Uncertain significance (1 of 4 stars; one submission).

Conditions:
Dilated cardiomyopathy 1DD (CMD1DD). Identifiers: Orphanet 154, MedGen C2750995, MONDO:0013168, OMIM 613172.

Submission:

Labcorp Genetics (formerly Invitae), Labcorp
Classification: Uncertain significance for Dilated cardiomyopathy 1DD. Last evaluated: 2023-08-09. Review status: criteria provided, single submitter. Criteria: Invitae Variant Classification Sherloc (09022015). Collection method: clinical testing. Allele origin: germline.
Comment: In summary, the available evidence is currently insufficient to determine the role of this variant in disease. Therefore, it has been classified as a Variant of Uncertain Significance. Advanced modeling of protein sequence and biophysical properties (such as structural, functional, and spatial information, amino acid conservation, physicochemical variation, residue mobility, and thermodynamic stability) performed at Invitae indicates that this missense variant is not expected to disrupt RBM20 protein function. ClinVar contains an entry for this variant (Variation ID: 854295). This variant has not been reported in the literature in individuals affected with RBM20-related conditions. This variant is not present in population databases (gnomAD no frequency). This sequence change replaces threonine, which is neutral and polar, with arginine, which is basic and polar, at codon 1171 of the RBM20 protein (p.Thr1171Arg).